The following is an entry in ClinVar:

NM_001267550.2(TTN):c.39291del (p.Glu13098fs)

Gene: TTN (titin; minus strand). Cytogenetic location: 2q31.2.
Variant type: Deletion.
Coding change: c.39291del on transcript NM_001267550.2 (MANE Select); coding-DNA position 39291, one base deleted (T; older notation c.39291delT).
Protein change: p.Glu13098fs; shifts the reading frame from glutamic acid 13098.
Molecular consequence: frameshift variant. On other transcripts: intron variant (3).
Genome position (GRCh38, 1-based): chr2:178,652,100, A deleted on the plus strand (T on the coding strand, the reverse complement: TTN is on the minus strand). VCF-style (leftmost placement, unchanged base first): chr2-178652099-CA-C. GRCh37 (hg19) VCF-style: chr2-179516826-CA-C.
Other names: c.34770del, p.Glu11591fs (NM_001256850.1); c.31989del, p.Glu10664fs (NM_133378.4); c.13283-9783del (NM_003319.4); c.13859-9783del (NM_133437.4); c.13658-9783del (NM_133432.3); short protein forms E10664fs, E13098fs, E11591fs.
Identifiers: ClinVar variation 4787529 (VCV004787529.1).

ClinVar aggregate classification (germline): Likely pathogenic (1 of 4 stars; one submission).

Conditions:
Autosomal recessive limb-girdle muscular dystrophy type 2J (LGMDR10). Also called: Limb-girdle muscular dystrophy, type 2J; MUSCULAR DYSTROPHY, LIMB-GIRDLE, AUTOSOMAL RECESSIVE 10. Identifiers: Orphanet 140922, MedGen C1837342, MONDO:0012127, OMIM 608807.
Dilated cardiomyopathy 1G (CMD1G). Identifiers: Orphanet 154, MedGen C1858763, MONDO:0011400, OMIM 604145.

Submission:

Labcorp Genetics (formerly Invitae), Labcorp
Classification: Likely pathogenic for Dilated cardiomyopathy 1G; Autosomal recessive limb-girdle muscular dystrophy type 2J. Last evaluated: 2025-07-09. Review status: criteria provided, single submitter. Criteria: Invitae Variant Classification Sherloc (09022015). Collection method: clinical testing. Allele origin: germline.
Comment: This sequence change creates a premature translational stop signal (p.Glu13098Lysfs*11) in the TTN gene. While this is not anticipated to result in nonsense mediated decay, it is expected to create a truncated TTN protein. This variant is not present in population databases (gnomAD no frequency). This variant has not been reported in the literature in individuals affected with TTN-related conditions. This variant is located in the I band of TTN (PMID: 25589632). Truncating variants in this region have been reported in individuals affected with autosomal recessive centronuclear myopathy (PMID: 23975875, internal data). Truncating variants in this region have also been identified in individuals affected with autosomal dominant dilated cardiomyopathy and/or cardio-related conditions (PMID: 27869827, 32964742, internal data). In summary, the currently available evidence indicates that the variant is pathogenic, but additional data are needed to prove that conclusively. Therefore, this variant has been classified as Likely Pathogenic.

Literature cited by the submitters: PubMed 25589632; PubMed 23975875; PubMed 27869827; PubMed 32964742.